The following is an entry in ClinVar:

ClinVar aggregate classification (germline): Uncertain significance (1 of 4 stars; one submission).

Allele frequency attached by ClinVar (database versions not stated): gnomAD exomes below 0.00001; gnomAD 0.00002 and 0.00003; TOPMed 0.00005.

Submission:

Labcorp Genetics (formerly Invitae), Labcorp
Classification: Uncertain significance. Last evaluated: 2023-11-10. Review status: criteria provided, single submitter. Criteria: Invitae Variant Classification Sherloc (09022015). Collection method: clinical testing. Allele origin: germline.
Comment: This sequence change replaces arginine, which is basic and polar, with glycine, which is neutral and non-polar, at codon 638 of the GUF1 protein (p.Arg638Gly). This variant is present in population databases (no rsID available, gnomAD 0.007%). This variant has not been reported in the literature in individuals affected with GUF1-related conditions. ClinVar contains an entry for this variant (Variation ID: 1373415). An algorithm developed to predict the effect of missense changes on protein structure and function (PolyPhen-2) suggests that this variant is likely to be disruptive. In summary, the available evidence is currently insufficient to determine the role of this variant in disease. Therefore, it has been classified as a Variant of Uncertain Significance.

NM_021927.3(GUF1):c.1912A>G (p.Arg638Gly)

Gene: GUF1 (GTP binding elongation factor GUF1; plus strand). Cytogenetic location: 4p12.
Variant type: single nucleotide variant.
Coding change: c.1912A>G on transcript NM_021927.3 (MANE Select); coding-DNA position 1912, A replaced by G.
Protein change: p.Arg638Gly; replaces arginine 638 with glycine.
Molecular consequence: missense variant.
Genome position (GRCh38, 1-based): chr4:44,698,583, A>G. VCF-style: chr4-44698583-A-G. GRCh37 (hg19) VCF-style: chr4-44700600-A-G.
Other names: c.940A>G, p.Arg314Gly (NM_001345867.2, NM_001345869.2); c.1792A>G, p.Arg598Gly (NM_001345868.2); short protein forms R598G, R314G, R638G.
Identifiers: ClinVar variation 1373415 (VCV001373415.8), dbSNP rs959377092, ClinGen allele CA96525234.